The following is an entry in ClinVar:

ClinVar aggregate classification (germline): Uncertain significance (1 of 4 stars; one submission).

Conditions:
Arrhythmogenic right ventricular dysplasia 8 (ARVD8). Also called: ARRHYTHMOGENIC RIGHT VENTRICULAR DYSPLASIA, FAMILIAL, 8; Arrhythmogenic Right Ventricular Dysplasia/Cardiomyopathy 8; ARRHYTHMOGENIC RIGHT VENTRICULAR CARDIOMYOPATHY 8. Identifiers: MedGen C1843896, MONDO:0011831, OMIM 607450.
Arrhythmogenic cardiomyopathy with wooly hair and keratoderma. Also called: Carvajal syndrome; Dilated cardiomyopathy with woolly hair and keratoderma; PALMOPLANTAR KERATODERMA WITH LEFT VENTRICULAR CARDIOMYOPATHY AND WOOLLY HAIR; Arrhythmogenic cardiomyopathy with woolly hair and keratoderma. Identifiers: Orphanet 65282, MedGen C1854063, MONDO:0011581, OMIM 605676.

Submission:

Labcorp Genetics (formerly Invitae), Labcorp
Classification: Uncertain significance for Arrhythmogenic cardiomyopathy with wooly hair and keratoderma; Arrhythmogenic right ventricular dysplasia 8. Last evaluated: 2022-06-08. Review status: criteria provided, single submitter. Criteria: Invitae Variant Classification Sherloc (09022015). Collection method: clinical testing. Allele origin: germline.
Comment: This sequence change replaces glutamine, which is neutral and polar, with proline, which is neutral and non-polar, at codon 930 of the DSP protein (p.Gln930Pro). This variant is not present in population databases (gnomAD no frequency). This variant has not been reported in the literature in individuals affected with DSP-related conditions. Algorithms developed to predict the effect of missense changes on protein structure and function (SIFT, PolyPhen-2, Align-GVGD) all suggest that this variant is likely to be disruptive. In summary, the available evidence is currently insufficient to determine the role of this variant in disease. Therefore, it has been classified as a Variant of Uncertain Significance.

NM_004415.4(DSP):c.2789A>C (p.Gln930Pro)

Gene: DSP (desmoplakin; plus strand). Cytogenetic location: 6p24.3.
Variant type: single nucleotide variant.
Coding change: c.2789A>C on transcript NM_004415.4 (MANE Select); coding-DNA position 2789, A replaced by C.
Protein change: p.Gln930Pro; replaces glutamine 930 with proline.
Molecular consequence: missense variant.
Genome position (GRCh38, 1-based): chr6:7,576,452, A>C. VCF-style: chr6-7576452-A-C. GRCh37 (hg19) VCF-style: chr6-7576685-A-C.
Other names: c.2789A>C, p.Gln930Pro (NM_001008844.3, NM_001319034.2); short protein forms Q930P.
Identifiers: ClinVar variation 1978397 (VCV001978397.4), dbSNP rs2533911818, ClinGen allele CA362682132.